The following is an entry in ClinVar:

ClinVar aggregate classification (germline): Uncertain significance. Review status: criteria provided, multiple submitters, no conflicts (2 of 4 stars). 2 submissions from 2 submitters: Uncertain significance (2). Last evaluated 2026-08-01.

Conditions:
Singleton-Merten syndrome 1 (SGMRT1). Also called: Widened medullary cavities of bone, aortic calcification, abnormal dentition, and muscular weakness; Syndrome of widened medullary cavities of the metacarpals and phalanges, aortic calcification and abnormal dentition. Identifiers: Orphanet 85191, MedGen C4225427, MONDO:0024535, OMIM 182250.
Aicardi-Goutieres syndrome 7 (AGS7). Identifiers: Orphanet 51, MedGen C3888244, MONDO:0014367, OMIM 615846.

gnomAD v4.1: 1 of 1,611,592 alleles (0.000062%); no homozygotes.

Submissions (2):

CeGaT Center for Human Genetics Tuebingen
Classification: Uncertain significance. Last evaluated: 2026-08-01. Review status: criteria provided, single submitter. Criteria: CeGaT Center For Human Genetics Tuebingen Variant Classification Criteria Version 2. Collection method: clinical testing. Allele origin: germline. Affected: yes. Observed: 1 variant allele.
Comment: IFIH1: PM2, BP4

Labcorp Genetics (formerly Invitae), Labcorp
Classification: Uncertain significance for Aicardi-Goutieres syndrome 7; Singleton-Merten syndrome 1. Last evaluated: 2021-09-24. Review status: criteria provided, single submitter. Criteria: Invitae Variant Classification Sherloc (09022015). Collection method: clinical testing. Allele origin: germline.
Comment: This variant is not present in population databases (ExAC no frequency). This sequence change replaces arginine with leucine at codon 386 of the IFIH1 protein (p.Arg386Leu). The arginine residue is weakly conserved and there is a moderate physicochemical difference between arginine and leucine. This variant has not been reported in the literature in individuals affected with IFIH1-related conditions. Algorithms developed to predict the effect of missense changes on protein structure and function (SIFT, PolyPhen-2, Align-GVGD) all suggest that this variant is likely to be tolerated. In summary, the available evidence is currently insufficient to determine the role of this variant in disease. Therefore, it has been classified as a Variant of Uncertain Significance.

NM_022168.4(IFIH1):c.1157G>T (p.Arg386Leu)

Gene: IFIH1 (interferon induced with helicase C domain 1; minus strand). Cytogenetic location: 2q24.2.
Variant type: single nucleotide variant.
Coding change: c.1157G>T on transcript NM_022168.4 (MANE Select); coding-DNA position 1157, G replaced by T.
Protein change: p.Arg386Leu; replaces arginine 386 with leucine.
Molecular consequence: missense variant.
Genome position (GRCh38, 1-based): chr2:162,282,515, C>A on the plus strand (G>T on the coding strand, the complement: IFIH1 is on the minus strand). VCF-style: chr2-162282515-C-A. GRCh37 (hg19) VCF-style: chr2-163139025-C-A.
Other names: short protein forms R386L.
Identifiers: ClinVar variation 1367683 (VCV001367683.7), dbSNP rs138611889, ClinGen allele CA349002967.